The following is an entry in ClinVar:

NM_005732.4(RAD50):c.3744del (p.Leu1249fs)

Genes: RAD50 (RAD50 double strand break repair protein; plus strand), TH2-LCR (Th2 cytokine locus control region; plus strand), TH2LCRR (T helper type 2 locus control region associated RNA; minus strand). Cytogenetic location: 5q31.1.
Variant type: Deletion.
Coding change: c.3744del on transcript NM_005732.4 (MANE Select); coding-DNA position 3744, one base deleted (T; older notation c.3744delT).
Protein change: p.Leu1249fs; shifts the reading frame from leucine 1249.
Molecular consequence: frameshift variant.
Genome position (GRCh38, 1-based): chr5:132,640,797, T deleted. VCF-style (leftmost placement, unchanged base first): chr5-132640796-CT-C. GRCh37 (hg19) VCF-style: chr5-131976488-CT-C.
Other names: short protein forms L1249fs.
Identifiers: ClinVar variation 1507527 (VCV001507527.6), dbSNP rs2149865865, ClinGen allele CA2573139099.

ClinVar aggregate classification (germline): Likely pathogenic (1 of 4 stars; one submission).

Conditions:
Hereditary cancer-predisposing syndrome. Also called: Hereditary neoplastic syndrome; Neoplastic Syndromes, Hereditary; Tumor predisposition; Hereditary Cancer Syndrome. Identifiers: Orphanet 140162, MedGen C0027672, MeSH D009386, MONDO:0015356.

Submission:

Labcorp Genetics (formerly Invitae), Labcorp
Classification: Likely pathogenic for Hereditary cancer-predisposing syndrome. Last evaluated: 2022-11-25. Review status: criteria provided, single submitter. Criteria: Invitae Variant Classification Sherloc (09022015). Collection method: clinical testing. Allele origin: germline.
Comment: In summary, the currently available evidence indicates that the variant is pathogenic, but additional data are needed to prove that conclusively. Therefore, this variant has been classified as Likely Pathogenic. This variant disrupts the ATPase-C domain, which is important for RAD50 ATPase activity (PMID: 10892749, 24894818). While functional studies have not been performed to directly test the effect of this variant on RAD50 protein function, this suggests that disruption of this region of the protein is causative of disease. ClinVar contains an entry for this variant (Variation ID: 1507527). This variant has not been reported in the literature in individuals affected with RAD50-related conditions. This variant is not present in population databases (gnomAD no frequency). This sequence change creates a premature translational stop signal (p.Leu1249Trpfs*4) in the RAD50 gene. While this is not anticipated to result in nonsense mediated decay, it is expected to disrupt the last 64 amino acid(s) of the RAD50 protein.

Literature cited by the submitters: PubMed 10892749; PubMed 24894818.